The following is an entry in ClinVar:

ClinVar aggregate classification (germline): Uncertain significance (1 of 4 stars; one submission).

Submission:

Labcorp Genetics (formerly Invitae), Labcorp
Classification: Uncertain significance. Last evaluated: 2022-07-29. Review status: criteria provided, single submitter. Criteria: Invitae Variant Classification Sherloc (09022015). Collection method: clinical testing. Allele origin: germline.
Comment: This sequence change replaces serine, which is neutral and polar, with leucine, which is neutral and non-polar, at codon 266 of the C2 protein (p.Ser266Leu). This variant is present in population databases (rs116568722, gnomAD 0.004%). This variant has not been reported in the literature in individuals affected with C2-related conditions. ClinVar contains an entry for this variant (Variation ID: 1445918). Algorithms developed to predict the effect of missense changes on protein structure and function are either unavailable or do not agree on the potential impact of this missense change (SIFT: "Deleterious"; PolyPhen-2: "Benign"; Align-GVGD: "Class C0"). In summary, the available evidence is currently insufficient to determine the role of this variant in disease. Therefore, it has been classified as a Variant of Uncertain Significance.

NM_000063.6(C2):c.797C>T (p.Ser266Leu)

Gene: C2 (complement C2; plus strand). Cytogenetic location: 6p21.33.
Variant type: single nucleotide variant.
Coding change: c.797C>T on transcript NM_000063.6 (MANE Select); coding-DNA position 797, C replaced by T.
Protein change: p.Ser266Leu; replaces serine 266 with leucine.
Molecular consequence: missense variant. On other transcripts: intron variant (2).
Genome position (GRCh38, 1-based): chr6:31,934,247, C>T. VCF-style: chr6-31934247-C-T. GRCh37 (hg19) VCF-style: chr6-31902024-C-T.
Other names: c.401C>T, p.Ser134Leu (NM_001145903.3); c.710C>T, p.Ser237Leu (NM_001282458.2); c.797C>T, p.Ser266Leu (NM_001282459.2); c.111+464C>T (NM_001282457.2); c.346+282C>T (NM_001178063.3); short protein forms S266L, S134L, S237L.
Identifiers: ClinVar variation 1445918 (VCV001445918.3), dbSNP rs116568722, ClinGen allele CA3727518.
Genomic context (GRCh38, chr6:31,934,247, plus strand): 5'-AAATCCAGCGCTCTGGTCATCTGAACCTCTACCTGCTCCTGGACTGTTCGCAGAGTGTGT[C>T]GGAAAATGACTTTCTCATCTTCAAGGAGAGCGCCTCCCTCATGGTGGACAGGGTCAGGAA-3'
Protein context (NP_000054.2, residues 256-276): YLLLDCSQSV[Ser266Leu]ENDFLIFKES